The following is an entry in ClinVar:

NM_004974.4(KCNA2):c.1144C>G (p.Pro382Ala)

Gene: KCNA2 (potassium voltage-gated channel subfamily A member 2; minus strand). Cytogenetic location: 1p13.3.
Variant type: single nucleotide variant.
Coding change: c.1144C>G on transcript NM_004974.4 (MANE Select); coding-DNA position 1144, C replaced by G.
Protein change: p.Pro382Ala; replaces proline 382 with alanine.
Molecular consequence: missense variant. On other transcripts: intron variant (1).
Genome position (GRCh38, 1-based): chr1:110,603,639, G>C on the plus strand (C>G on the coding strand, the complement: KCNA2 is on the minus strand). VCF-style: chr1-110603639-G-C. GRCh37 (hg19) VCF-style: chr1-111146261-G-C.
Other names: c.894+250C>G (NM_001204269.2); short protein forms P382A.
Identifiers: ClinVar variation 1720958 (VCV001720958.6), dbSNP rs2524616634, ClinGen allele CA341601645.

ClinVar aggregate classification (germline): Uncertain significance (1 of 4 stars; one submission).

Conditions:
Developmental and epileptic encephalopathy, 32 (DEE32). Also called: Epileptic encephalopathy, early infantile, 32. Identifiers: Orphanet 442835, MedGen C4225350, MONDO:0014607, OMIM 616366.

Submission:

Labcorp Genetics (formerly Invitae), Labcorp
Classification: Uncertain significance for Developmental and epileptic encephalopathy, 32. Last evaluated: 2022-10-04. Review status: criteria provided, single submitter. Criteria: Invitae Variant Classification Sherloc (09022015). Collection method: clinical testing. Allele origin: germline.
Comment: This sequence change replaces proline, which is neutral and non-polar, with alanine, which is neutral and non-polar, at codon 382 of the KCNA2 protein (p.Pro382Ala). In summary, the available evidence is currently insufficient to determine the role of this variant in disease. Therefore, it has been classified as a Variant of Uncertain Significance. Advanced modeling of protein sequence and biophysical properties (such as structural, functional, and spatial information, amino acid conservation, physicochemical variation, residue mobility, and thermodynamic stability) performed at Invitae indicates that this missense variant is expected to disrupt KCNA2 protein function. This variant has not been reported in the literature in individuals affected with KCNA2-related conditions. This variant is not present in population databases (gnomAD no frequency).